The following is an entry in ClinVar:

ClinVar aggregate classification (germline): Uncertain significance (1 of 4 stars; one submission).

Conditions:
Hereditary pancreatitis (PCTT). Also called: Hereditary chronic pancreatitis; PRSS1-Related Hereditary Pancreatitis. Identifiers: Orphanet 676, MedGen C0238339, MONDO:0008185, OMIM 167800.

Submission:

Ambry Genetics
Classification: Uncertain significance for Hereditary pancreatitis. Last evaluated: 2023-03-19. Review status: criteria provided, single submitter. Criteria: Ambry Variant Classification Scheme 2023. Collection method: clinical testing. Allele origin: germline.
Comment: The p.I259T variant (also known as c.776T>C), located in coding exon 7 of the CTRC gene, results from a T to C substitution at nucleotide position 776. The isoleucine at codon 259 is replaced by threonine, an amino acid with similar properties. This amino acid position is conserved. In addition, the in silico prediction for this alteration is inconclusive. Since supporting evidence is limited at this time, the clinical significance of this alteration remains unclear.

NM_007272.3(CTRC):c.776T>C (p.Ile259Thr)

Gene: CTRC (chymotrypsin C; plus strand). Cytogenetic location: 1p36.21.
Variant type: single nucleotide variant.
Coding change: c.776T>C on transcript NM_007272.3 (MANE Select); coding-DNA position 776, T replaced by C.
Protein change: p.Ile259Thr; replaces isoleucine 259 with threonine.
Molecular consequence: missense variant.
Genome position (GRCh38, 1-based): chr1:15,445,733, T>C. VCF-style: chr1-15445733-T-C. GRCh37 (hg19) VCF-style: chr1-15772228-T-C.
Other names: short protein forms I259T.
Identifiers: ClinVar variation 2561888 (VCV002561888.2), dbSNP rs2526303900, ClinGen allele CA338568004.